The following is an entry in ClinVar:

NM_194318.4(B3GLCT):c.1108G>A (p.Glu370Lys)

Gene: B3GLCT (beta 3-glucosyltransferase; plus strand). Cytogenetic location: 13q12.3.
Variant type: single nucleotide variant.
Coding change: c.1108G>A on transcript NM_194318.4 (MANE Select); coding-DNA position 1108, G replaced by A.
Protein change: p.Glu370Lys; replaces glutamic acid 370 with lysine.
Molecular consequence: missense variant.
Genome position (GRCh38, 1-based): chr13:31,317,609, G>A. VCF-style: chr13-31317609-G-A. GRCh37 (hg19) VCF-style: chr13-31891746-G-A.
Other names: short protein forms E370K.
Identifiers: ClinVar variation 96624 (VCV000096624.27), dbSNP rs1041073, ClinGen allele CA149625.
Genomic context (GRCh38, chr13:31,317,609, plus strand): 5'-TCCCTTTGGCATCTCAGTATCTCCAGGCTCCAGCACTTGCTTAGCTGTTATGACTCCGGC[G>A]AGCCTGTGTTTCTGGGAGAGCGCTACGGCTACGGCCTGGGCACTGGTGGCTACAGCTACA-3'
Protein context (NP_919299.3, residues 360-380): QHLLSCYDSG[Glu370Lys]PVFLGERYGY

ClinVar aggregate classification (germline): Benign. Review status: criteria provided, multiple submitters, no conflicts (2 of 4 stars). 11 submissions from 11 submitters: Benign (9). 2 of the submissions do not count toward it. Last evaluated 2026-02-03.

Conditions:
Peters plus syndrome. Also called: KRAUSE-KIVLIN SYNDROME. Identifiers: Orphanet 709, MedGen C0796012, MONDO:0009856, OMIM 261540.

Allele frequency attached by ClinVar (database versions not stated): gnomAD exomes 0.74889 and 0.75649; ESP Exome Variant Server 0.65539; 1000 Genomes Project 30x 0.66365; gnomAD 0.66142 and 0.66898; TOPMed 0.66319; 1000 Genomes Project 0.66673; ExAC 0.74246.
gnomAD v4.1: 1,206,975 of 1,613,678 alleles (75%); highest among the groups gnomAD compares: Admixed American, 78%; 456,734 homozygotes.

Submissions (11):

Labcorp Genetics (formerly Invitae), Labcorp
Classification: Benign for Peters plus syndrome. Last evaluated: 2026-02-03. Review status: criteria provided, single submitter. Criteria: Invitae Variant Classification Sherloc (09022015). Collection method: clinical testing. Allele origin: germline.

Blueprint Genetics
Classification: Benign. Last evaluated: 2024-11-27. Review status: criteria provided, single submitter. Criteria: ACMG Guidelines, 2015. Collection method: clinical testing. Allele origin: germline.

Genome-Nilou Lab
Classification: Benign for Peters plus syndrome. Last evaluated: 2021-07-14. Review status: criteria provided, single submitter. Criteria: ACMG Guidelines, 2015. Collection method: clinical testing. Allele origin: germline. Affected: no.

GeneDx
Classification: Benign. Last evaluated: 2018-06-14. Review status: criteria provided, single submitter. Criteria: GeneDx Variant Classification (06012015). Collection method: clinical testing. Allele origin: germline. Affected: yes.
Comment: This variant is considered likely benign or benign based on one or more of the following criteria: it is a conservative change, it occurs at a poorly conserved position in the protein, it is predicted to be benign by multiple in silico algorithms, and/or has population frequency not consistent with disease.

Illumina Laboratory Services, Illumina
Classification: Benign for Peters plus syndrome. Last evaluated: 2018-01-13. Review status: criteria provided, single submitter. Criteria: ICSL Variant Classification Criteria 13 December 2019. Collection method: clinical testing. Allele origin: germline.
Comment: This variant was observed in the ICSL laboratory as part of a predisposition screen in an ostensibly healthy population. It had not been previously curated by ICSL or reported in the Human Gene Mutation Database (HGMD: prior to June 1st, 2018), and was therefore a candidate for classification through an automated scoring system. Utilizing variant allele frequency, disease prevalence and penetrance estimates, and inheritance mode, an automated score was calculated to assess if this variant is too frequent to cause the disease. Based on the score and internal cut-off values, a variant classified as benign is not then subjected to further curation. The score for this variant resulted in a classification of benign for this disease.

Mayo Clinic Laboratories, Mayo Clinic
Classification: Benign. Last evaluated: 2017-12-21. Review status: criteria provided, single submitter. Criteria: ACMG Guidelines, 2015. Collection method: clinical testing. Allele origin: germline. Observed: 39 variant alleles.

Eurofins Ntd Llc (ga)
Classification: Benign. Last evaluated: 2014-12-10. Review status: criteria provided, single submitter. Criteria: EGL Classification Definitions 2015. Collection method: clinical testing. Allele origin: germline. Observed: 40 variant alleles, 18 heterozygotes, 22 homozygotes.

Breakthrough Genomics
Classification: Benign. Review status: criteria provided, single submitter. Criteria: ACMG Guidelines, 2015. Collection method: not provided. Allele origin: germline. Inheritance: Autosomal recessive inheritance. Affected: yes.

PreventionGenetics, part of Exact Sciences
Classification: Benign. Review status: criteria provided, single submitter. Criteria: ACMG Guidelines, 2015. Collection method: clinical testing. Allele origin: germline.

Diagnostic Laboratory, Department of Genetics, University Medical Center Groningen
Classification: Benign. Review status: no assertion criteria provided. Collection method: clinical testing. Allele origin: germline. Affected: yes. Study: VKGL Data-share Consensus. Not counted in ClinVar's aggregate classification.

Joint Genome Diagnostic Labs from Nijmegen and Maastricht, Radboudumc and MUMC+
Classification: Benign. Review status: no assertion criteria provided. Collection method: clinical testing. Allele origin: germline. Affected: yes. Study: VKGL Data-share Consensus. Not counted in ClinVar's aggregate classification.